The following is an entry in ClinVar:

ClinVar aggregate classification (germline): Benign (0 of 4 stars; one submission).

Conditions:
SORT1-related disorder. Also called: SORT1-related condition.

Allele frequency attached by ClinVar (database versions not stated): 1000 Genomes Project 30x 0.15287; 1000 Genomes Project 0.15395; gnomAD 0.18774; ExAC 0.23930.
gnomAD v4.1: 257,543 of 1,197,608 alleles (22%); highest among the groups gnomAD compares: South Asian, 24%; 28,214 homozygotes.

Submission:

PreventionGenetics, part of Exact Sciences
Classification: Benign for SORT1-related condition. Last evaluated: 2019-11-20. Review status: no assertion criteria provided. Collection method: clinical testing. Allele origin: germline.
Comment: This variant is classified as benign based on ACMG/AMP sequence variant interpretation guidelines (Richards et al. 2015 PMID: 25741868, with internal and published modifications).

NM_002959.7(SORT1):c.12C>G (p.Pro4=)

Gene: SORT1 (sortilin 1; minus strand). Cytogenetic location: 1p13.3.
Variant type: single nucleotide variant.
Coding change: c.12C>G on transcript NM_002959.7 (MANE Select); coding-DNA position 12, C replaced by G.
Protein change: p.Pro4=; no amino-acid change (proline 4 retained).
Molecular consequence: synonymous variant.
Genome position (GRCh38, 1-based): chr1:109,397,881, G>C on the plus strand (C>G on the coding strand, the complement: SORT1 is on the minus strand). VCF-style: chr1-109397881-G-C. GRCh37 (hg19) VCF-style: chr1-109940503-G-C.
Identifiers: ClinVar variation 3056058 (VCV003056058.2), dbSNP rs72646553, ClinGen allele CA990222.
Genomic context (GRCh38, chr1:109,397,881, plus strand): 5'-CAGGAGGAGGAGGAGGCCGAGGCCATGGGGCCAGCGCGAGAGGCCGTCCGCAGCTCCCCA[G>C]GGCCGCTCCATCGCCGCCGAATGCCGCCGACGCCGACACCTGCCGCCCGGCGCGCCCGCC-3'
Protein context (NP_002950.3, residues 1-14): MER[Pro4=]WGAADGLSRW